The following is an entry in ClinVar:

ClinVar aggregate classification (germline): Uncertain significance (1 of 4 stars; one submission).

Conditions:
Hereditary cancer-predisposing syndrome. Also called: Hereditary Cancer Syndrome; Hereditary neoplastic syndrome; Neoplastic Syndromes, Hereditary; Tumor predisposition. Identifiers: Orphanet 140162, MedGen C0027672, MeSH D009386, MONDO:0015356.

Submission:

Sema4
Classification: Uncertain significance for Hereditary cancer-predisposing syndrome. Last evaluated: 2022-02-07. Review status: criteria provided, single submitter. Criteria: Sema4 Curation Guidelines. Collection method: curation. Allele origin: germline.
Comment: The RB1 c.576A>C (p.K192N) variant has not been reported in the literature to our knowledge. It was not observed in the large and broad cohorts of the Genome Aggregation Database (PMID: 32461654). The variant has not been reported in ClinVar. Functional studies have not been performed, and in silico predictions of the variant's effect on protein function are inconclusive. The evidence is insufficient to meet ACMG/AMP criteria for classifying the variant as benign or pathogenic. Thus, the clinical significance of this variant is currently uncertain.

NM_000321.3(RB1):c.576A>C (p.Lys192Asn)

Gene: RB1 (RB transcriptional corepressor 1; plus strand). Cytogenetic location: 13q14.2.
Variant type: single nucleotide variant.
Coding change: c.576A>C on transcript NM_000321.3 (MANE Select); coding-DNA position 576, A replaced by C.
Protein change: p.Lys192Asn; replaces lysine 192 with asparagine.
Molecular consequence: missense variant.
Genome position (GRCh38, 1-based): chr13:48,348,992, A>C. VCF-style: chr13-48348992-A-C. GRCh37 (hg19) VCF-style: chr13-48923128-A-C.
Other names: short protein forms K192N.
Identifiers: ClinVar variation 1692387 (VCV001692387.1), dbSNP rs2138093601, ClinGen allele CA388156951.